The following is an entry in ClinVar:

ClinVar aggregate classification (germline): Uncertain significance. Review status: criteria provided, multiple submitters, no conflicts (2 of 4 stars). 2 submissions from 2 submitters: Uncertain significance (2). Last evaluated 2025-12-29.

Conditions:
Familial melanoma. Also called: Hereditary melanoma; Hereditary cutaneous melanoma. Identifiers: Orphanet 618, MedGen C1512419, MONDO:0018961.

Submissions (2):

Center for Genomic Medicine, Rigshospitalet, Copenhagen University Hospital
Classification: Uncertain significance. Last evaluated: 2025-12-29. Review status: criteria provided, single submitter. Criteria: ACMG Guidelines, 2015. Collection method: clinical testing. Allele origin: germline.

Labcorp Genetics (formerly Invitae), Labcorp
Classification: Uncertain significance for Familial melanoma. Last evaluated: 2024-08-14. Review status: criteria provided, single submitter. Criteria: Invitae Variant Classification Sherloc (09022015). Collection method: clinical testing. Allele origin: germline.
Comment: This sequence change replaces asparagine, which is neutral and polar, with lysine, which is basic and polar, at codon 141 of the CDKN2A (p16INK4a) protein (p.Asn141Lys). This variant is not present in population databases (gnomAD no frequency). This variant has not been reported in the literature in individuals affected with CDKN2A (p16INK4a)-related conditions. An algorithm developed to predict the effect of missense changes on protein structure and function outputs the following: PolyPhen-2: "Benign". The lysine amino acid residue is found in multiple mammalian species, which suggests that this missense change does not adversely affect protein function. In summary, the available evidence is currently insufficient to determine the role of this variant in disease. Therefore, it has been classified as a Variant of Uncertain Significance.

NM_000077.5(CDKN2A):c.423C>G (p.Asn141Lys)

Gene: CDKN2A (cyclin dependent kinase inhibitor 2A; minus strand). Cytogenetic location: 9p21.3.
Variant type: single nucleotide variant.
Coding change: c.423C>G on transcript NM_000077.5; coding-DNA position 423, C replaced by G.
Protein change: p.Asn141Lys; replaces asparagine 141 with lysine.
Molecular consequence: missense variant (on NM_001363763.2). On other transcripts: 3 prime UTR variant (2).
Genome position (GRCh38, 1-based): chr9:21,970,936, G>C on the plus strand (C>G on the coding strand, the complement: CDKN2A is on the minus strand). VCF-style: chr9-21970936-G-C. GRCh37 (hg19) VCF-style: chr9-21970935-G-C.
Other names: c.270C>G, p.Asn90Lys (NM_001363763.2); c.*67C>G (NM_058195.4); c.*346C>G (NM_058197.5); c.423C>G, p.Asn141Lys (NM_000077.6, NM_001195132.2); short protein forms N90K, N141K.
Identifiers: ClinVar variation 3661986 (VCV003661986.3).